The following is an entry in ClinVar:

ClinVar aggregate classification (germline): Uncertain significance. Review status: criteria provided, multiple submitters, no conflicts (2 of 4 stars). 2 submissions from 2 submitters: Uncertain significance (2). Last evaluated 2024-12-03.

gnomAD v4.1: 7 of 1,607,856 alleles (0.00044%); highest among the groups gnomAD compares: East Asian, 0.0045%; no homozygotes.

Submissions (2):

Ambry Genetics
Classification: Uncertain significance. Last evaluated: 2024-12-03. Review status: criteria provided, single submitter. Criteria: Ambry Variant Classification Scheme 2023. Collection method: clinical testing. Allele origin: germline.

Labcorp Genetics (formerly Invitae), Labcorp
Classification: Uncertain significance. Last evaluated: 2021-12-21. Review status: criteria provided, single submitter. Criteria: Invitae Variant Classification Sherloc (09022015). Collection method: clinical testing. Allele origin: germline.
Comment: Algorithms developed to predict the effect of missense changes on protein structure and function (SIFT, PolyPhen-2, Align-GVGD) all suggest that this variant is likely to be tolerated. In summary, the available evidence is currently insufficient to determine the role of this variant in disease. Therefore, it has been classified as a Variant of Uncertain Significance. This variant has not been reported in the literature in individuals affected with KCNJ13-related conditions. This variant is not present in population databases (gnomAD no frequency). This sequence change replaces alanine, which is neutral and non-polar, with threonine, which is neutral and polar, at codon 34 of the KCNJ13 protein (p.Ala34Thr).

NM_002242.4(KCNJ13):c.100G>A (p.Ala34Thr)

Genes: GIGYF2 (GRB10 interacting GYF protein 2; plus strand), KCNJ13 (potassium inwardly rectifying channel subfamily J member 13; minus strand). Cytogenetic location: 2q37.1.
Variant type: single nucleotide variant.
Coding change: c.100G>A on transcript NM_002242.4 (MANE Select); coding-DNA position 100, G replaced by A.
Protein change: p.Ala34Thr; replaces alanine 34 with threonine.
Molecular consequence: missense variant. On other transcripts: intron variant (5).
Genome position (GRCh38, 1-based): chr2:232,771,263, C>T on the plus strand (G>A on the coding strand, the complement: KCNJ13 is on the minus strand). VCF-style: chr2-232771263-C-T. GRCh37 (hg19) VCF-style: chr2-233635973-C-T.
Other names: c.100G>A, p.Ala34Thr (NM_001172416.1); c.532+9827C>T (NM_001103146.3, NM_015575.4, NM_001103148.2); c.533-5149C>T (NM_001103147.2); c.-23-118G>A (NM_001172417.1); short protein forms A34T.
Identifiers: ClinVar variation 1389073 (VCV001389073.7), dbSNP rs769160785, ClinGen allele CA351014221.